The following is an entry in ClinVar:

NM_001040108.2(MLH3):c.2043T>C (p.Tyr681=)

Gene: MLH3 (mutL homolog 3; minus strand). Cytogenetic location: 14q24.3.
Variant type: single nucleotide variant.
Coding change: c.2043T>C on transcript NM_001040108.2 (MANE Select); coding-DNA position 2043, T replaced by C.
Protein change: p.Tyr681=; no amino-acid change (tyrosine 681 retained).
Molecular consequence: synonymous variant.
Genome position (GRCh38, 1-based): chr14:75,047,613, A>G on the plus strand (T>C on the coding strand, the complement: MLH3 is on the minus strand). VCF-style: chr14-75047613-A-G. GRCh37 (hg19) VCF-style: chr14-75514316-A-G.
Other names: c.2043T>C, p.Tyr681= (NM_014381.3).
Identifiers: ClinVar variation 697634 (VCV000697634.23), dbSNP rs143573376, ClinGen allele CA7275771.
Genomic context (GRCh38, chr14:75,047,613, plus strand): 5'-GCTACCTTCCTGAAAAGCAGAAAACATTGTATAAGTTGCTGTAGGTTCATTCTCTAGCCC[A>G]TAACTTATATTCGTTCTGCAATTTTTTTTGTTGGGCAATTGACCAGATTCTTTACTTAAA-3'
Protein context (NP_001035197.1, residues 671-691): NKKNCRTNIS[Tyr681=]GLENEPTATY

ClinVar aggregate classification (germline): Benign/Likely benign. Review status: criteria provided, multiple submitters, no conflicts (2 of 4 stars). 6 submissions from 6 submitters: Benign (2); Likely benign (3). 1 of the submissions does not count toward it. Last evaluated 2026-05-04.

Conditions:
Endometrial carcinoma. Also called: Endometrial carcinoma, somatic. Identifiers: MedGen C0476089, MONDO:0002447, OMIM 608089, HP:0012114.
Colorectal cancer, hereditary nonpolyposis, type 7. Identifiers: Orphanet 144, MedGen C1858380, MONDO:0013725, OMIM 614385.
Colorectal cancer. Also called: Colorectal cancer, somatic; Malignant Colorectal Neoplasm. Identifiers: MedGen C0346629, MONDO:0005575, OMIM 114500.
MLH3-related disorder. Also called: MLH3-related condition.

Allele frequency attached by ClinVar (database versions not stated): ExAC 0.00020; gnomAD 0.00056 and 0.00053; 1000 Genomes Project 30x 0.00141; gnomAD exomes 0.00005 and 0.00016; ESP Exome Variant Server 0.00054; TOPMed 0.00067; 1000 Genomes Project 0.00120.
gnomAD v4.1: 165 of 1,614,092 alleles (0.01%); highest among the groups gnomAD compares: African/African-American, 0.19%; no homozygotes.

Submissions (6):

Myriad Genetics, Inc.
Classification: Benign for Colorectal cancer, hereditary nonpolyposis, type 7. Last evaluated: 2026-05-04. Review status: criteria provided, single submitter. Criteria: Myriad Autosomal Dominant, Autosomal Recessive and X-Linked Classification Criteria (2023). Collection method: clinical testing. Allele origin: unknown.
Comment: This variant is considered benign. This variant is a silent/synonymous amino acid change and it is not expected to impact splicing.

Labcorp Genetics (formerly Invitae), Labcorp
Classification: Benign for Colorectal cancer, hereditary nonpolyposis, type 7. Last evaluated: 2026-01-17. Review status: criteria provided, single submitter. Criteria: Invitae Variant Classification Sherloc (09022015). Collection method: clinical testing. Allele origin: germline.

Center for Genomic Medicine, Rigshospitalet, Copenhagen University Hospital
Classification: Likely benign. Last evaluated: 2025-03-04. Review status: criteria provided, single submitter. Criteria: ACMG Guidelines, 2015. Collection method: clinical testing. Allele origin: germline.

Department of Pathology and Laboratory Medicine, Sinai Health System
Classification: Likely benign for Colorectal cancer; Endometrial carcinoma; Colorectal cancer, hereditary nonpolyposis, type 7. Last evaluated: 2025-01-14. Review status: criteria provided, single submitter. Criteria: ACMG Guidelines, 2015. Collection method: clinical testing. Allele origin: germline.

Ambry Genetics
Classification: Likely benign. Last evaluated: 2020-09-02. Review status: criteria provided, single submitter. Criteria: Ambry Variant Classification Scheme 2023. Collection method: clinical testing. Allele origin: germline.

PreventionGenetics, part of Exact Sciences
Classification: Likely benign for MLH3-related condition. Last evaluated: 2022-07-26. Review status: no assertion criteria provided. Collection method: clinical testing. Allele origin: germline. Not counted in ClinVar's aggregate classification.
Comment: This variant is classified as likely benign based on ACMG/AMP sequence variant interpretation guidelines (Richards et al. 2015 PMID: 25741868, with internal and published modifications).